The following is an entry in ClinVar:

NM_001042492.3(NF1):c.3352_3353del (p.Cys1117_Ser1118insTer)

Gene: NF1 (neurofibromin 1; plus strand). Cytogenetic location: 17q11.2.
Variant type: Deletion.
Coding change: c.3352_3353del on transcript NM_001042492.3 (MANE Select); coding-DNA positions 3352 to 3353, 2 bases deleted (AG; older notation c.3352_3353delAG).
Protein change: p.Cys1117_Ser1118insTer.
Molecular consequence: nonsense. On other transcripts: frameshift variant (1).
Genome position (GRCh38, 1-based): chr17:31,232,737-31,232,738, AG deleted. VCF-style (leftmost placement, unchanged base first): chr17-31232736-CAG-C. GRCh37 (hg19) VCF-style: chr17-29559754-CAG-C.
Other names: c.3352_3353delAG (NM_000267.3); c.3352_3353delAG, p.Ser1118Terfs (NM_000267.4).
Identifiers: ClinVar variation 1730525 (VCV001730525.2), dbSNP rs2508230882, ClinGen allele CA2580093019.

ClinVar aggregate classification (germline): Pathogenic (1 of 4 stars; one submission).

Conditions:
Hereditary cancer-predisposing syndrome. Also called: Neoplastic Syndromes, Hereditary; Tumor predisposition; Hereditary Cancer Syndrome; Hereditary neoplastic syndrome. Identifiers: Orphanet 140162, MedGen C0027672, MeSH D009386, MONDO:0015356.
Cardiovascular phenotype. Identifiers: MedGen CN230736.

Submission:

Ambry Genetics
Classification: Pathogenic for Cardiovascular phenotype; Hereditary cancer-predisposing syndrome. Last evaluated: 2017-12-01. Review status: criteria provided, single submitter. Criteria: Ambry Variant Classification Scheme 2023. Collection method: clinical testing. Allele origin: germline.
Comment: The c.3352_3353delAG pathogenic mutation, located in coding exon 26 of the NF1 gene, results from a deletion of two nucleotides at nucleotide positions 3352 to 3353, causing a translational frameshift with a predicted alternate stop codon (p.S1118*). This alteration is expected to result in loss of function by premature protein truncation or nonsense-mediated mRNA decay. As such, this alteration is interpreted as a disease-causing mutation.